The following is an entry in ClinVar:

NM_033026.6(PCLO):c.12549A>G (p.Ile4183Met)

Gene: PCLO (piccolo presynaptic cytomatrix protein; minus strand). Cytogenetic location: 7q21.11.
Variant type: single nucleotide variant.
Coding change: c.12549A>G on transcript NM_033026.6 (MANE Select); coding-DNA position 12549, A replaced by G.
Protein change: p.Ile4183Met; replaces isoleucine 4183 with methionine.
Molecular consequence: missense variant.
Genome position (GRCh38, 1-based): chr7:82,915,437, T>C on the plus strand (A>G on the coding strand, the complement: PCLO is on the minus strand). VCF-style: chr7-82915437-T-C. GRCh37 (hg19) VCF-style: chr7-82544753-T-C.
Other names: c.12549A>G, p.Ile4183Met (NM_014510.3); short protein forms I4183M.
Identifiers: ClinVar variation 2068517 (VCV002068517.5), dbSNP rs1402773594, ClinGen allele CA367887553.

ClinVar aggregate classification (germline): Uncertain significance. Review status: criteria provided, multiple submitters, no conflicts (2 of 4 stars). 2 submissions from 2 submitters: Uncertain significance (2). Last evaluated 2022-06-28.

Conditions:
Inborn genetic diseases. Identifiers: MedGen C0950123, MeSH D030342.

Submissions (2):

Labcorp Genetics (formerly Invitae), Labcorp
Classification: Uncertain significance. Last evaluated: 2022-06-28. Review status: criteria provided, single submitter. Criteria: Invitae Variant Classification Sherloc (09022015). Collection method: clinical testing. Allele origin: germline.
Comment: This variant has not been reported in the literature in individuals affected with PCLO-related conditions. This variant is not present in population databases (gnomAD no frequency). This sequence change replaces isoleucine, which is neutral and non-polar, with methionine, which is neutral and non-polar, at codon 4183 of the PCLO protein (p.Ile4183Met). Algorithms developed to predict the effect of missense changes on protein structure and function are either unavailable or do not agree on the potential impact of this missense change (SIFT: "Deleterious"; PolyPhen-2: "Not Available"; Align-GVGD: "Class C0"). In summary, the available evidence is currently insufficient to determine the role of this variant in disease. Therefore, it has been classified as a Variant of Uncertain Significance.

Ambry Genetics
Classification: Uncertain significance for Inborn genetic diseases. Last evaluated: 2022-02-02. Review status: criteria provided, single submitter. Criteria: Ambry Variant Classification Scheme 2023. Collection method: clinical testing. Allele origin: germline.